The following is an entry in ClinVar:

ClinVar aggregate classification (germline): Uncertain significance (1 of 4 stars; one submission).

Conditions:
Hereditary cancer-predisposing syndrome. Also called: Neoplastic Syndromes, Hereditary; Tumor predisposition; Hereditary Cancer Syndrome; Hereditary neoplastic syndrome. Identifiers: Orphanet 140162, MedGen C0027672, MeSH D009386, MONDO:0015356.
Cardiovascular phenotype. Identifiers: MedGen CN230736.

Allele frequency attached by ClinVar (database versions not stated): gnomAD exomes below 0.00001.
gnomAD v4.1: 1 of 1,614,062 alleles (0.000062%); highest among the groups gnomAD compares: Non-Finnish European, 0.000085%; no homozygotes.

Submission:

Ambry Genetics
Classification: Uncertain significance for Cardiovascular phenotype; Hereditary cancer-predisposing syndrome. Last evaluated: 2020-10-26. Review status: criteria provided, single submitter. Criteria: Ambry Variant Classification Scheme 2023. Collection method: clinical testing. Allele origin: germline.
Comment: The p.A1148V variant (also known as c.3443C>T), located in coding exon 26 of the NF1 gene, results from a C to T substitution at nucleotide position 3443. The alanine at codon 1148 is replaced by valine, an amino acid with similar properties. This amino acid position is highly conserved in available vertebrate species. In addition, the in silico prediction for this alteration is inconclusive. Since supporting evidence is limited at this time, the clinical significance of this alteration remains unclear.

NM_001042492.3(NF1):c.3443C>T (p.Ala1148Val)

Gene: NF1 (neurofibromin 1; plus strand). Cytogenetic location: 17q11.2.
Variant type: single nucleotide variant.
Coding change: c.3443C>T on transcript NM_001042492.3 (MANE Select); coding-DNA position 3443, C replaced by T.
Protein change: p.Ala1148Val; replaces alanine 1148 with valine.
Molecular consequence: missense variant.
Genome position (GRCh38, 1-based): chr17:31,232,828, C>T. VCF-style: chr17-31232828-C-T. GRCh37 (hg19) VCF-style: chr17-29559846-C-T.
Other names: c.3443C>T, p.Ala1148Val (NM_000267.4); short protein forms A1148V.
Identifiers: ClinVar variation 1731486 (VCV001731486.2), dbSNP rs2151434733, ClinGen allele CA398989290.